The following is an entry in ClinVar:

ClinVar aggregate classification (germline): Benign. Review status: criteria provided, multiple submitters, no conflicts (2 of 4 stars). 3 submissions from 3 submitters: Benign (3). Last evaluated 2024-10-21.

Allele frequency attached by ClinVar (database versions not stated): gnomAD 0.00606 and 0.00646; ExAC 0.00194; gnomAD exomes 0.00052 and 0.00136; 1000 Genomes Project 30x 0.00781; ESP Exome Variant Server 0.00518; TOPMed 0.00687; 1000 Genomes Project 0.00699.
gnomAD v4.1: 1,700 of 1,609,544 alleles (0.11%); highest among the groups gnomAD compares: African/African-American, 2%; 18 homozygotes.

Submissions (3):

Mayo Clinic Laboratories, Mayo Clinic
Classification: Benign. Last evaluated: 2024-10-21. Review status: criteria provided, single submitter. Criteria: ACMG Guidelines, 2015. Collection method: clinical testing. Allele origin: germline. Observed: 6 variant alleles.
Comment: BS1, BS2, BP4

Labcorp Genetics (formerly Invitae), Labcorp
Classification: Benign. Last evaluated: 2019-12-31. Review status: criteria provided, single submitter. Criteria: Invitae Variant Classification Sherloc (09022015). Collection method: clinical testing. Allele origin: germline.

Breakthrough Genomics
Classification: Benign. Review status: criteria provided, single submitter. Criteria: ACMG Guidelines, 2015. Collection method: not provided. Allele origin: germline. Inheritance: Autosomal recessive inheritance. Affected: yes.

NM_017414.4(USP18):c.967A>G (p.Ile323Val)

Gene: USP18 (ubiquitin specific peptidase 18; plus strand). Cytogenetic location: 22q11.21.
Variant type: single nucleotide variant.
Coding change: c.967A>G on transcript NM_017414.4 (MANE Select); coding-DNA position 967, A replaced by G.
Protein change: p.Ile323Val; replaces isoleucine 323 with valine.
Molecular consequence: missense variant.
Genome position (GRCh38, 1-based): chr22:18,173,225, A>G. VCF-style: chr22-18173225-A-G. GRCh37 (hg19) VCF-style: chr22-18655992-A-G.
Other names: p.Ile323Val; short protein forms I323V.
Identifiers: ClinVar variation 780631 (VCV000780631.6), dbSNP rs144567602, ClinGen allele CA10094212.